The following is an entry in ClinVar:

NM_001868.4(CPA1):c.5G>A (p.Arg2Gln)

Gene: CPA1 (carboxypeptidase A1; plus strand). Cytogenetic location: 7q32.2.
Variant type: single nucleotide variant.
Coding change: c.5G>A on transcript NM_001868.4 (MANE Select); coding-DNA position 5, G replaced by A.
Protein change: p.Arg2Gln; replaces arginine 2 with glutamine.
Molecular consequence: missense variant.
Genome position (GRCh38, 1-based): chr7:130,380,525, G>A. VCF-style: chr7-130380525-G-A. GRCh37 (hg19) VCF-style: chr7-130020366-G-A.
Other names: c.5G>A (NM_001868.3); short protein forms R2Q.
Identifiers: ClinVar variation 826117 (VCV000826117.15), dbSNP rs145988366, ClinGen allele CA4484645.

ClinVar aggregate classification (germline): Benign/Likely benign. Review status: criteria provided, multiple submitters, no conflicts (2 of 4 stars). 3 submissions from 3 submitters: Benign (1); Likely benign (1). 1 of the submissions does not count toward it. Last evaluated 2025-04-14.

Conditions:
CPA1-related disorder. Also called: CPA1-related condition.
Hereditary pancreatitis (PCTT). Also called: Hereditary chronic pancreatitis; PRSS1-Related Hereditary Pancreatitis. Identifiers: Orphanet 676, MedGen C0238339, MONDO:0008185, OMIM 167800.

Allele frequency attached by ClinVar (database versions not stated): ESP Exome Variant Server 0.00023; gnomAD 0.00029 and 0.00030; TOPMed 0.00030; gnomAD exomes 0.00054 and 0.00065; ExAC 0.00073.
gnomAD v4.1: 654 of 1,314,804 alleles (0.05%); highest among the groups gnomAD compares: Non-Finnish European, 0.06%; no homozygotes.

Submissions (3):

Labcorp Genetics (formerly Invitae), Labcorp
Classification: Likely benign. Last evaluated: 2025-04-14. Review status: criteria provided, single submitter. Criteria: Invitae Variant Classification Sherloc (09022015). Collection method: clinical testing. Allele origin: germline.

Ambry Genetics
Classification: Benign for Hereditary pancreatitis. Last evaluated: 2018-10-09. Review status: criteria provided, single submitter. Criteria: Ambry Variant Classification Scheme 2023. Collection method: clinical testing. Allele origin: germline.

PreventionGenetics, part of Exact Sciences
Classification: Likely benign for CPA1-related condition. Last evaluated: 2021-07-15. Review status: no assertion criteria provided. Collection method: clinical testing. Allele origin: germline. Not counted in ClinVar's aggregate classification.
Comment: This variant is classified as likely benign based on ACMG/AMP sequence variant interpretation guidelines (Richards et al. 2015 PMID: 25741868, with internal and published modifications).